The following is an entry in ClinVar:

NM_001013838.3(CARMIL2):c.3842G>A (p.Ser1281Asn)

Gene: CARMIL2 (capping protein regulator and myosin 1 linker 2; plus strand). Cytogenetic location: 16q22.1.
Variant type: single nucleotide variant.
Coding change: c.3842G>A on transcript NM_001013838.3 (MANE Select); coding-DNA position 3842, G replaced by A.
Protein change: p.Ser1281Asn; replaces serine 1281 with asparagine.
Molecular consequence: missense variant.
Genome position (GRCh38, 1-based): chr16:67,656,451, G>A. VCF-style: chr16-67656451-G-A. GRCh37 (hg19) VCF-style: chr16-67690354-G-A.
Other names: c.3734G>A, p.Ser1245Asn (NM_001317026.3); short protein forms S1245N, S1281N.
Identifiers: ClinVar variation 1933328 (VCV001933328.5), dbSNP rs1174933908, ClinGen allele CA396347844.
Genomic context (GRCh38, chr16:67,656,451, plus strand): 5'-ACCAGGTCTTGGCTGACACCTTTCTCCCTACAGACCCTTCCTGCAGACCTGGCCCAGGGA[G>A]CCAGGGGCCTGAGTCTGCCACCTGGAAGACACTGGGGCAGCAGTTGAATGCGGAGCTCAG-3'
Protein context (NP_001013860.1, residues 1271-1291): ADPSCRPGPG[Ser1281Asn]QGPESATWKT

ClinVar aggregate classification (germline): Uncertain significance (1 of 4 stars; one submission).

Allele frequency attached by ClinVar (database versions not stated): gnomAD exomes below 0.00001; gnomAD 0.00001; TOPMed 0.00001.
gnomAD v4.1: 3 of 1,610,534 alleles (0.00019%); highest among the groups gnomAD compares: East Asian, 0.0067%; no homozygotes.

Submission:

Labcorp Genetics (formerly Invitae), Labcorp
Classification: Uncertain significance. Last evaluated: 2025-12-11. Review status: criteria provided, single submitter. Criteria: Invitae Variant Classification Sherloc (09022015). Collection method: clinical testing. Allele origin: germline.
Comment: This sequence change replaces serine, which is neutral and polar, with asparagine, which is neutral and polar, at codon 1281 of the CARMIL2 protein (p.Ser1281Asn). This variant is present in population databases (no rsID available, gnomAD 0.006%). This variant has not been reported in the literature in individuals affected with CARMIL2-related conditions. ClinVar contains an entry for this variant (Variation ID: 1933328). An algorithm developed to predict the effect of missense changes on protein structure and function (PolyPhen-2) suggests that this variant is likely to be tolerated. In summary, the available evidence is currently insufficient to determine the role of this variant in disease. Therefore, it has been classified as a Variant of Uncertain Significance.